The following is an entry in ClinVar:

ClinVar aggregate classification (germline): Pathogenic. Review status: criteria provided, multiple submitters, no conflicts (2 of 4 stars). 2 submissions from 2 submitters: Pathogenic (2). Last evaluated 2022-03-30.

Conditions:
Hereditary cancer-predisposing syndrome. Also called: Tumor predisposition; Neoplastic Syndromes, Hereditary; Hereditary Cancer Syndrome; Hereditary neoplastic syndrome. Identifiers: Orphanet 140162, MedGen C0027672, MeSH D009386, MONDO:0015356.
Familial cancer of breast. Also called: Hereditary breast cancer; hereditary breast carcinoma; BREAST CANCER, FAMILIAL. Identifiers: Orphanet 227535, MedGen C0346153, MONDO:0016419, OMIM 114480. Disease mechanism: loss of function.

Submissions (2):

Ambry Genetics
Classification: Pathogenic for Hereditary cancer-predisposing syndrome. Last evaluated: 2022-03-30. Review status: criteria provided, single submitter. Criteria: Ambry Variant Classification Scheme 2023. Collection method: clinical testing. Allele origin: germline.
Comment: The c.1976_1977delTG pathogenic mutation, located in coding exon 5 of the PALB2 gene, results from a deletion of two nucleotides at nucleotide positions 1976 to 1977, causing a translational frameshift with a predicted alternate stop codon (p.L659Qfs*3). This variant is considered to be rare based on population cohorts in the Genome Aggregation Database (gnomAD). This alteration is expected to result in loss of function by premature protein truncation or nonsense-mediated mRNA decay. As such, this alteration is interpreted as a disease-causing mutation.

Labcorp Genetics (formerly Invitae), Labcorp
Classification: Pathogenic for Familial cancer of breast. Last evaluated: 2021-08-24. Review status: criteria provided, single submitter. Criteria: Invitae Variant Classification Sherloc (09022015). Collection method: clinical testing. Allele origin: germline.
Comment: This premature translational stop signal has been observed in individual(s) with a personal or family history of breast and ovarian cancer (PMID: 31841383). For these reasons, this variant has been classified as Pathogenic. This variant is not present in population databases (ExAC no frequency). This sequence change creates a premature translational stop signal (p.Leu659Glnfs*3) in the PALB2 gene. It is expected to result in an absent or disrupted protein product. Loss-of-function variants in PALB2 are known to be pathogenic (PMID: 17200668, 17200671, 17200672, 24136930, 25099575).

Literature cited by the submitters: PubMed 31841383 (cited by Labcorp Genetics (formerly Invitae), Labcorp); PubMed 17200668 (cited by Labcorp Genetics (formerly Invitae), Labcorp); PubMed 17200671 (cited by Labcorp Genetics (formerly Invitae), Labcorp); PubMed 17200672 (cited by Labcorp Genetics (formerly Invitae), Labcorp); PubMed 24136930 (cited by Labcorp Genetics (formerly Invitae), Labcorp); PubMed 25099575 (cited by Labcorp Genetics (formerly Invitae), Labcorp).

NM_024675.4(PALB2):c.1976_1977del (p.Leu659fs)

Gene: PALB2 (partner and localizer of BRCA2; minus strand). Cytogenetic location: 16p12.2.
Variant type: Deletion.
Coding change: c.1976_1977del on transcript NM_024675.4 (MANE Select); coding-DNA positions 1976 to 1977, 2 bases deleted (TG; older notation c.1976_1977delTG).
Protein change: p.Leu659fs; shifts the reading frame from leucine 659.
Molecular consequence: frameshift variant.
Genome position (GRCh38, 1-based): chr16:23,630,177-23,630,178, CA deleted on the plus strand (TG on the coding strand, the reverse complement: PALB2 is on the minus strand). VCF-style (leftmost placement, unchanged base first): chr16-23630176-TCA-T. GRCh37 (hg19) VCF-style: chr16-23641497-TCA-T.
Other names: short protein forms L659fs.
Identifiers: ClinVar variation 1455018 (VCV001455018.9), dbSNP rs2142384476, ClinGen allele CA2573152228.